The following is an entry in ClinVar:

ClinVar aggregate classification (germline): Benign. Review status: criteria provided, multiple submitters, no conflicts (2 of 4 stars). 13 submissions from 13 submitters: Benign (10). 3 of the submissions do not count toward it. Last evaluated 2026-02-04.

Conditions:
Cardiovascular phenotype. Identifiers: MedGen CN230736.
Cardiomyopathy (CMYO). Also called: Cardiomyopathies. Identifiers: Orphanet 167848, MedGen C0878544, MONDO:0004994, HP:0001638. Inheritance: Various modes of inheritance.
Hypertrophic cardiomyopathy 14. Identifiers: MedGen C2750467, MONDO:0013197, OMIM 613251.

Allele frequency attached by ClinVar (database versions not stated): 1000 Genomes Project 30x 0.06918; 1000 Genomes Project 0.07288; gnomAD 0.08821 and 0.08842; TOPMed 0.09056; gnomAD exomes 0.11764.
gnomAD v4.1: 183,860 of 1,609,018 alleles (11%); highest among the groups gnomAD compares: Non-Finnish European, 13%; 7,777 homozygotes.

Submissions (13):

Labcorp Genetics (formerly Invitae), Labcorp
Classification: Benign for Hypertrophic cardiomyopathy 14. Last evaluated: 2026-02-04. Review status: criteria provided, single submitter. Criteria: Invitae Variant Classification Sherloc (09022015). Collection method: clinical testing. Allele origin: germline.

ARUP Laboratories, Molecular Genetics and Genomics, ARUP Laboratories
Classification: Benign. Last evaluated: 2025-07-23. Review status: criteria provided, single submitter. Criteria: ARUP Molecular Germline Variant Investigation Process 2024. Collection method: clinical testing. Allele origin: germline.

Blueprint Genetics
Classification: Benign. Last evaluated: 2024-11-27. Review status: criteria provided, single submitter. Criteria: ACMG Guidelines, 2015. Collection method: clinical testing. Allele origin: germline.

CHEO Genetics Diagnostic Laboratory, Children's Hospital of Eastern Ontario
Classification: Benign for Cardiomyopathy. Last evaluated: 2015-11-16. Review status: criteria provided, single submitter. Criteria: ACMG Guidelines, 2015. Collection method: clinical testing. Allele origin: germline. Study: Canadian Open Genetics Repository.

Ambry Genetics
Classification: Benign for Cardiovascular phenotype. Last evaluated: 2015-07-15. Review status: criteria provided, single submitter. Criteria: Ambry Variant Classification Scheme 2023. Collection method: clinical testing. Allele origin: germline.

GeneDx
Classification: Benign. Last evaluated: 2015-03-03. Review status: criteria provided, single submitter. Criteria: GeneDx Variant Classification Process June 2021. Collection method: clinical testing. Allele origin: germline. Affected: yes.

Biesecker Lab/Clinical Genomics Section, National Institutes of Health
Classification: Benign. Last evaluated: 2013-06-24. Review status: criteria provided, single submitter. Criteria: Ng et al. (Circ Cardiovasc Genet. 2013). Collection method: research. Allele origin: unknown. Observed: 118 variant alleles. Study: ClinSeq.
Comment: The study set was not selected for affection status in relation to any cancer. Pathogenicity categories were based on literature curation. See Pubmed ID:23861362 for details.

Medical sequencing

Laboratory for Molecular Medicine, Mass General Brigham Personalized Medicine
Classification: Benign. Last evaluated: 2011-09-30. Review status: criteria provided, single submitter. Criteria: LMM Criteria. Collection method: clinical testing. Allele origin: germline. Observed: 382 variant alleles.
Comment: Benign based on high population frequency (rs28730771)

Breakthrough Genomics
Classification: Benign. Review status: criteria provided, single submitter. Criteria: ACMG Guidelines, 2015. Collection method: not provided. Allele origin: germline. Inheritance: Autosomal dominant inheritance. Affected: yes.

PreventionGenetics, part of Exact Sciences
Classification: Benign. Review status: criteria provided, single submitter. Criteria: ACMG Guidelines, 2015. Collection method: clinical testing. Allele origin: germline.

Clinical Genetics DNA and cytogenetics Diagnostics Lab, Erasmus MC, Erasmus Medical Center
Classification: Benign. Review status: no assertion criteria provided. Collection method: clinical testing. Allele origin: germline. Affected: yes. Study: VKGL Data-share Consensus. Not counted in ClinVar's aggregate classification.

Clinical Genetics, Academic Medical Center
Classification: Benign. Review status: no assertion criteria provided. Collection method: clinical testing. Allele origin: germline. Affected: yes. Study: VKGL Data-share Consensus. Not counted in ClinVar's aggregate classification.

Joint Genome Diagnostic Labs from Nijmegen and Maastricht, Radboudumc and MUMC+
Classification: Benign. Review status: no assertion criteria provided. Collection method: clinical testing. Allele origin: germline. Affected: yes. Study: VKGL Data-share Consensus. Not counted in ClinVar's aggregate classification.

NM_002471.4(MYH6):c.3388G>A (p.Ala1130Thr)

Gene: MYH6 (myosin heavy chain 6; minus strand). Cytogenetic location: 14q11.2.
Variant type: single nucleotide variant.
Coding change: c.3388G>A on transcript NM_002471.4 (MANE Select); coding-DNA position 3388, G replaced by A.
Protein change: p.Ala1130Thr; replaces alanine 1130 with threonine.
Molecular consequence: missense variant.
Genome position (GRCh38, 1-based): chr14:23,390,401, C>T on the plus strand (G>A on the coding strand, the complement: MYH6 is on the minus strand). VCF-style: chr14-23390401-C-T. GRCh37 (hg19) VCF-style: chr14-23859610-C-T.
Other names: short protein forms A1130T.
Identifiers: ClinVar variation 44483 (VCV000044483.43), dbSNP rs28730771, ClinGen allele CA134331.
Genomic context (GRCh38, chr14:23,390,401, plus strand): 5'-CGCTGATCTCCTCCAGCTCCCGAGACAGGTCTGAGCGCAGCTTCTCCACCTTAGCCCTGG[C>T]GGTGCGCTCGGCCTCCAGCTCCTCCTCCAGCTCCTCGATGCGTGCCTGGGTCAGACACAA-3'
Protein context (NP_002462.2, residues 1120-1140): LEEELEAERT[Ala1130Thr]RAKVEKLRSD